The following is an entry in ClinVar:

NM_004958.4(MTOR):c.6325C>T (p.Arg2109Ter)

Gene: MTOR (mechanistic target of rapamycin kinase; minus strand). Cytogenetic location: 1p36.22.
Variant type: single nucleotide variant.
Coding change: c.6325C>T on transcript NM_004958.4 (MANE Select); coding-DNA position 6325, C replaced by T.
Protein change: p.Arg2109Ter; replaces arginine 2109 with a stop codon.
Molecular consequence: nonsense.
Genome position (GRCh38, 1-based): chr1:11,127,036, G>A on the plus strand (C>T on the coding strand, the complement: MTOR is on the minus strand). VCF-style: chr1-11127036-G-A. GRCh37 (hg19) VCF-style: chr1-11187093-G-A.
Other names: c.6325C>T, p.Arg2109Ter (NM_001386500.1); c.5077C>T, p.Arg1693Ter (NM_001386501.1); short protein forms R1693*, R2109*.
Identifiers: ClinVar variation 3641661 (VCV003641661.2).

ClinVar aggregate classification (germline): Uncertain significance (1 of 4 stars; one submission).

Submission:

Labcorp Genetics (formerly Invitae), Labcorp
Classification: Uncertain significance. Last evaluated: 2024-02-17. Review status: criteria provided, single submitter. Criteria: Invitae Variant Classification Sherloc (09022015). Collection method: clinical testing. Allele origin: germline.
Comment: This sequence change creates a premature translational stop signal (p.Arg2109*) in the MTOR gene. It is expected to result in an absent or disrupted protein product. However, the current clinical and genetic evidence is not sufficient to establish whether loss-of-function variants in MTOR cause disease. This variant is not present in population databases (gnomAD no frequency). This variant has not been reported in the literature in individuals affected with MTOR-related conditions. In summary, the available evidence is currently insufficient to determine the role of this variant in disease. Therefore, it has been classified as a Variant of Uncertain Significance.